The following is an entry in ClinVar:

ClinVar aggregate classification (germline): Pathogenic (1 of 4 stars; one submission).

Conditions:
Neuronal ceroid lipofuscinosis 7 (CLN7). Also called: MFSD8-Related Neuronal Ceroid-Lipofuscinosis. Identifiers: Orphanet 168491, Orphanet 228366, MedGen C1838571, MONDO:0012588, OMIM 610951.

Submission:

Labcorp Genetics (formerly Invitae), Labcorp
Classification: Pathogenic for Neuronal ceroid lipofuscinosis 7. Last evaluated: 2022-07-10. Review status: criteria provided, single submitter. Criteria: Invitae Variant Classification Sherloc (09022015). Collection method: clinical testing. Allele origin: germline.
Comment: This variant is a gross deletion of the genomic region encompassing exon(s) 3-13 of the MFSD8 gene, which includes the termination codon. This deletion extends beyond the assayed region for this gene and therefore may encompass additional genes. While this deletion is not anticipated to lead to nonsense mediated decay, it is expected to alter mRNA translation or result in a truncated protein product. This variant has not been reported in the literature in individuals affected with MFSD8-related conditions. This variant disrupts a region of the MFSD8 protein in which other variant(s) (p.Arg482*) have been determined to be pathogenic (PMID: 19177532, 25976102, 28708303; Invitae). This suggests that this is a clinically significant region of the protein, and that variants that disrupt it are likely to be disease-causing. For these reasons, this variant has been classified as Pathogenic.

Literature cited by the submitters: PubMed 19177532; PubMed 25976102; PubMed 28708303.

NC_000004.11:g.(?_128841775)_(128878757_?)del

Gene: MFSD8 (major facilitator superfamily domain containing 8; minus strand). Cytogenetic location: 4q28.2.
Variant type: Deletion.
Identifiers: ClinVar variation 1460410 (VCV001460410.4).